The following is an entry in ClinVar:

ClinVar aggregate classification (germline): Pathogenic. Review status: reviewed by expert panel (3 of 4 stars). 4 submissions from 4 submitters: Pathogenic (1). 3 of the submissions do not count toward it. Last evaluated 2023-12-09.

Conditions:
Inborn genetic diseases. Identifiers: MedGen C0950123, MeSH D030342.
Hereditary thrombocytopenia and hematological cancer predisposition syndrome associated with RUNX1. Also called: PLATELET DISORDER, ASPIRIN-LIKE; Familial Platelet Disorder with Propensity to Acute Myelogenous Leukemia; Familial thrombocytopenia with propensity to acute myelogenous leukemia; RUNX1 Familial Platelet Disorder with Associated Myeloid Malignancies. Identifiers: Orphanet 71290, MedGen C1832388, MeSH C563324, MONDO:0100083, OMIM 601399.

Submissions (4):

ClinGen Myeloid Malignancy Variant Curation Expert Panel
Classification: Pathogenic for Hereditary thrombocytopenia and hematological cancer predisposition syndrome associated with RUNX1. Last evaluated: 2023-12-09. Review status: reviewed by expert panel. Criteria: ClinGen MyeloMalig ACMG Specifications v2. Collection method: curation. Allele origin: germline. Inheritance: Autosomal dominant inheritance.
Comment: NM_001754.5(RUNX1):c.967+2_967+5del is a noncoding variant. This variant was found to co-segregate with disease in multiple affected family members, with seven or more (8) meioses observed in one family/across 1 family (PP1_Strong; PMID: 28240786). Skips exon 8 with in frame del270- 323 and D269A deletion in TAD(PVS1_strong). This variant has been reported in two or three probands (X) meeting at least one of the RUNX1-phenotypic criteria (PS4_Moderate; PMID: 28240786, doi: 10.1093/ajcp/aqz121.026) (PS4_moderate). This variant is completely absent from all population databases with at least 20x coverage for RUNX1 (PM2_supporting). In summary, this variant meets criteria to be classified as pathogenic. ACMG/AMP criteria applied, as specified by the Myeloid Malignancy Variant Curation Expert Panel for RUNX1: PP1_strong, PVS1_strong, PS4_moderate, PM2_supporting

Labcorp Genetics (formerly Invitae), Labcorp
Classification: Pathogenic for Hereditary thrombocytopenia and hematological cancer predisposition syndrome associated with RUNX1. Last evaluated: 2025-11-09. Review status: criteria provided, single submitter. Criteria: Invitae Variant Classification Sherloc (09022015). Collection method: clinical testing. Allele origin: germline. Not counted in ClinVar's aggregate classification.
Comment: This sequence change affects a splice site in intron 8 of the RUNX1 gene. It is expected to disrupt RNA splicing. Variants that disrupt the donor or acceptor splice site typically lead to a loss of protein function (PMID: 16199547), and loss-of-function variants in RUNX1 are known to be pathogenic (PMID: 18723428, 24100448). This variant is not present in population databases (gnomAD no frequency). Disruption of this splice site has been observed in individual(s) with clinical features of familial platelet disorder with associated myeloid malignancy (PMID: 28240786, 31064749). ClinVar contains an entry for this variant (Variation ID: 945290). Studies have shown that disruption of this splice site alters mRNA splicing and is expected to lead to the loss of protein expression (PMID: 28240786). For these reasons, this variant has been classified as Pathogenic.

Ambry Genetics
Classification: Likely pathogenic for Inborn genetic diseases. Last evaluated: 2025-08-05. Review status: criteria provided, single submitter. Criteria: Ambry Variant Classification Scheme 2023. Collection method: clinical testing. Allele origin: germline. Not counted in ClinVar's aggregate classification.
Comment: The c.967+2_967+5delTAAG intronic variant, located in intron 7 of the RUNX1 gene, results from a deletion of 4 nucleotides within intron 7 of the RUNX1 gene. This variant was reported in individuals with features consistent with RUNX1 familial platelet disorder with associated myeloid malignancies (Downes K et al. Blood, 2019 Dec;134:2082-2091; Yu K et al. Blood Adv, 2024 Jan;8:497-511; De Rocco D et al. Am J Hematol, 2017 Jun;92:E86-E88; Reddy, Kalpana Am J of Clinical Pathology, 2019 Oct;152:S115). This alteration was shown to segregate with disease (Yu K et al. Blood Adv, 2024 Jan;8:497-511; De Rocco D et al. Am J Hematol, 2017 Jun;92:E86-E88; Reddy, Kalpana Am J of Clinical Pathology, 2019 Oct;152:S115) These nucleotide positions are highly conserved in available vertebrate species. In silico splice site analysis predicts that this alteration will weaken the native splice donor site. RNA studies have demonstrated that this alteration results in abnormal splicing (Ambry internal data; Yu K et al. Blood Adv, 2024 Jan;8:497-511; De Rocco D et al. Am J Hematol, 2017 Jun;92:E86-E88). Based on the majority of available evidence to date, this variant is likely to be pathogenic.

Zotz-Klimas Genetics Lab, MVZ Zotz Klimas
Classification: Pathogenic for Hereditary thrombocytopenia and hematological cancer predisposition syndrome associated with RUNX1. Last evaluated: 2023-11-02. Review status: no assertion criteria provided. Collection method: clinical testing. Allele origin: germline. Affected: yes. Not counted in ClinVar's aggregate classification.

Literature cited by the submitters: PubMed 16199547 (cited by Labcorp Genetics (formerly Invitae), Labcorp); PubMed 18723428 (cited by Labcorp Genetics (formerly Invitae), Labcorp); PubMed 24100448 (cited by Labcorp Genetics (formerly Invitae), Labcorp); PubMed 28240786 (cited by Labcorp Genetics (formerly Invitae), Labcorp and Ambry Genetics); PubMed 31064749 (cited by Labcorp Genetics (formerly Invitae), Labcorp and Ambry Genetics); PubMed 38019014 (cited by Ambry Genetics).

NM_001754.5(RUNX1):c.967+2_967+5del

Gene: RUNX1 (RUNX family transcription factor 1; minus strand). Cytogenetic location: 21q22.12.
Variant type: Deletion.
Coding change: c.967+2_967+5del on transcript NM_001754.5 (MANE Select); the canonical splice donor site of the intron after coding-DNA position 967 through 5 bases into the intron after coding-DNA position 967, 4 bases deleted (TAAG; older notation c.967+2_967+5delTAAG).
Molecular consequence: splice donor variant.
Genome position (GRCh38, 1-based): chr21:34,799,296-34,799,299, CTTA deleted on the plus strand (TAAG on the coding strand, the reverse complement: RUNX1 is on the minus strand); deleting any 4 consecutive bases within chr21:34,799,296-34,799,302 gives the same sequence; the c. name uses the placement nearest the transcript's 3' end. VCF-style (leftmost placement, unchanged base first): chr21-34799295-GCTTA-G. GRCh37 (hg19) VCF-style: chr21-36171592-GCTTA-G.
Other names: c.886+2_886+5del (NM_001001890.3); c.967+2_967+5delTAAG (NM_001754.4).
Identifiers: ClinVar variation 945290 (VCV000945290.10), dbSNP rs2056574456, ClinGen allele CA645614125.